The following is an entry in ClinVar:

ClinVar aggregate classification (germline): Conflicting classifications of pathogenicity. Review status: criteria provided, conflicting classifications (1 of 4 stars). 3 submissions from 3 submitters: Uncertain significance (1); Likely benign (2). Last evaluated 2024-12-13.

Conditions:
Hereditary cancer-predisposing syndrome. Also called: Neoplastic Syndromes, Hereditary; Tumor predisposition; Hereditary Cancer Syndrome; Hereditary neoplastic syndrome. Identifiers: Orphanet 140162, MedGen C0027672, MeSH D009386, MONDO:0015356.
Familial adenomatous polyposis 2. Also called: Adenomas, multiple colorectal; COLORECTAL ADENOMATOUS POLYPOSIS, AUTOSOMAL RECESSIVE; ADENOMAS, MULTIPLE COLORECTAL, AUTOSOMAL RECESSIVE; MYH-associated polyposis; MUTYH Polyposis; FAP type 2. Identifiers: Orphanet 220460, Orphanet 247798, MedGen C3272841, MONDO:0012041, OMIM 608456.

Submissions (3):

Labcorp Genetics (formerly Invitae), Labcorp
Classification: Likely benign for Familial adenomatous polyposis 2. Last evaluated: 2024-12-13. Review status: criteria provided, single submitter. Criteria: Invitae Variant Classification Sherloc (09022015). Collection method: clinical testing. Allele origin: germline.

Color Diagnostics, LLC DBA Color Health
Classification: Uncertain significance for Hereditary cancer-predisposing syndrome. Last evaluated: 2020-10-20. Review status: criteria provided, single submitter. Criteria: ACMG Guidelines, 2015. Collection method: clinical testing. Allele origin: germline.
Comment: This variant causes a C to G nucleotide substitution at the -5 position of intron 11 of the MUTYH gene. To our knowledge, functional studies have not been reported for this variant. This variant has not been reported in individuals affected with hereditary cancer in the literature. This variant has not been identified in the general population by the Genome Aggregation Database (gnomAD). The available evidence is insufficient to determine the role of this variant in disease conclusively. Therefore, this variant is classified as a Variant of Uncertain Significance.

Ambry Genetics
Classification: Likely benign for Hereditary cancer-predisposing syndrome. Last evaluated: 2020-01-23. Review status: criteria provided, single submitter. Criteria: Ambry Variant Classification Scheme 2023. Collection method: clinical testing. Allele origin: germline.

NM_001048174.2(MUTYH):c.914-5C>G

Gene: MUTYH (mutY DNA glycosylase; minus strand). Cytogenetic location: 1p34.1.
Variant type: single nucleotide variant.
Coding change: c.914-5C>G on transcript NM_001048174.2 (MANE Select); 5 bases into the intron before coding-DNA position 914, C replaced by G.
Molecular consequence: intron variant.
Genome position (GRCh38, 1-based): chr1:45,331,854, G>C on the plus strand (C>G on the coding strand, the complement: MUTYH is on the minus strand). VCF-style: chr1-45331854-G-C. GRCh37 (hg19) VCF-style: chr1-45797526-G-C.
Other names: c.569-5C>G (NM_001350651.2, NM_001350650.2); c.638-5C>G (NM_001293192.2, NM_001293196.2); c.914-5C>G (NM_001048171.2, NM_001048173.2, NM_001293195.2); c.959-5C>G (NM_001293190.2); c.989-5C>G (NM_012222.3); c.998-5C>G (NM_001128425.2); c.917-5C>G (NM_001048172.2); c.947-5C>G (NM_001293191.2).
Identifiers: ClinVar variation 187309 (VCV000187309.15), dbSNP rs786203632, ClinGen allele CA014790.
Genomic context (GRCh38, chr1:45,331,854, plus strand): 5'-CTGGTCCCAGGGCTCCGAGGGAGGCAGGCACAGGTGGCACTGTCCAGTGTTGGGAGCTGG[G>C]AACGGAGATCCCCGAACCCTACTCAAGCCAAGAGGGCTTTAGGGGCCAACCTAGAGAGTG-3'